The following is an entry in ClinVar:

ClinVar aggregate classification (germline): Likely benign (1 of 4 stars; one submission).

Conditions:
SETX-related disorder. Also called: SETX-related condition; SETX-related disorders. Identifiers: MedGen CN239403.

gnomAD v4.1: 1 of 1,613,936 alleles (0.000062%); highest among the groups gnomAD compares: Non-Finnish European, 0.000085%; no homozygotes.

Submission:

PreventionGenetics, part of Exact Sciences
Classification: Likely benign for SETX-related condition. Last evaluated: 2025-02-10. Review status: criteria provided, single submitter. Criteria: ACMG Guidelines, 2015. Collection method: clinical testing. Allele origin: germline.
Comment: This variant is classified as likely benign based on ACMG/AMP sequence variant interpretation guidelines (Richards et al. 2015 PMID: 25741868, with internal and published modifications).

NM_015046.7(SETX):c.3918T>C (p.Tyr1306=)

Gene: SETX (senataxin; minus strand). Cytogenetic location: 9q34.13.
Variant type: single nucleotide variant.
Coding change: c.3918T>C on transcript NM_015046.7 (MANE Select); coding-DNA position 3918, T replaced by C.
Protein change: p.Tyr1306=; no amino-acid change (tyrosine 1306 retained).
Molecular consequence: synonymous variant.
Genome position (GRCh38, 1-based): chr9:132,327,680, A>G on the plus strand (T>C on the coding strand, the complement: SETX is on the minus strand). VCF-style: chr9-132327680-A-G. GRCh37 (hg19) VCF-style: chr9-135203067-A-G.
Other names: c.3918T>C, p.Tyr1306= (NM_001351527.2, NM_001351528.2).
Identifiers: ClinVar variation 4999951 (VCV004999951.1).